The following is an entry in ClinVar:

NM_153603.4(COG7):c.11C>G (p.Ser4Cys)

Genes: COG7 (component of oligomeric golgi complex 7; minus strand), LOC130058658 (ATAC-STARR-seq lymphoblastoid active region 10580; plus strand). Cytogenetic location: 16p12.2.
Variant type: single nucleotide variant.
Coding change: c.11C>G on transcript NM_153603.4 (MANE Select); coding-DNA position 11, C replaced by G.
Protein change: p.Ser4Cys; replaces serine 4 with cysteine.
Molecular consequence: missense variant.
Genome position (GRCh38, 1-based): chr16:23,452,984, G>C on the plus strand (C>G on the coding strand, the complement: COG7 is on the minus strand). VCF-style: chr16-23452984-G-C. GRCh37 (hg19) VCF-style: chr16-23464305-G-C.
Other names: short protein forms S4C.
Identifiers: ClinVar variation 1919525 (VCV001919525.5), dbSNP rs1413701149, ClinGen allele CA395118648.

ClinVar aggregate classification (germline): Uncertain significance (1 of 4 stars; one submission).

Conditions:
COG7 congenital disorder of glycosylation (CDG2E). Also called: CONGENITAL DISORDER OF GLYCOSYLATION, TYPE IIe; CDG IIe. Identifiers: Orphanet 79333, MedGen C2931010, MONDO:0012118, OMIM 608779.

Allele frequency attached by ClinVar (database versions not stated): gnomAD exomes below 0.00001.
gnomAD v4.1: 1 of 1,614,082 alleles (0.000062%); highest among the groups gnomAD compares: Admixed American, 0.0017%; no homozygotes.

Submission:

Labcorp Genetics (formerly Invitae), Labcorp
Classification: Uncertain significance for COG7 congenital disorder of glycosylation. Last evaluated: 2024-10-16. Review status: criteria provided, single submitter. Criteria: Invitae Variant Classification Sherloc (09022015). Collection method: clinical testing. Allele origin: germline.
Comment: This sequence change replaces serine, which is neutral and polar, with cysteine, which is neutral and slightly polar, at codon 4 of the COG7 protein (p.Ser4Cys). This variant is present in population databases (no rsID available, gnomAD 0.003%). This variant has not been reported in the literature in individuals affected with COG7-related conditions. ClinVar contains an entry for this variant (Variation ID: 1919525). Invitae Evidence Modeling of protein sequence and biophysical properties (such as structural, functional, and spatial information, amino acid conservation, physicochemical variation, residue mobility, and thermodynamic stability) indicates that this missense variant is expected to disrupt COG7 protein function with a positive predictive value of 80%. In summary, the available evidence is currently insufficient to determine the role of this variant in disease. Therefore, it has been classified as a Variant of Uncertain Significance.